The following is an entry in ClinVar:

ClinVar aggregate classification (germline): Uncertain significance (1 of 4 stars; one submission).

gnomAD v4.1: 1 of 1,612,106 alleles (0.000062%); highest among the groups gnomAD compares: Admixed American, 0.0017%; no homozygotes.

Submission:

Labcorp Genetics (formerly Invitae), Labcorp
Classification: Uncertain significance. Last evaluated: 2025-06-23. Review status: criteria provided, single submitter. Criteria: Invitae Variant Classification Sherloc (09022015). Collection method: clinical testing. Allele origin: germline.
Comment: This sequence change replaces leucine, which is neutral and non-polar, with phenylalanine, which is neutral and non-polar, at codon 10 of the CFH protein (p.Leu10Phe). This variant is present in population databases (no rsID available, gnomAD 0.003%). This variant has not been reported in the literature in individuals affected with CFH-related conditions. An algorithm developed to predict the effect of missense changes on protein structure and function outputs the following: PolyPhen-2: "Benign". The phenylalanine amino acid residue is found in multiple mammalian species, which suggests that this missense change does not adversely affect protein function. In summary, the available evidence is currently insufficient to determine the role of this variant in disease. Therefore, it has been classified as a Variant of Uncertain Significance.

NM_000186.4(CFH):c.28C>T (p.Leu10Phe)

Gene: CFH (complement factor H; plus strand). Cytogenetic location: 1q31.3.
Variant type: single nucleotide variant.
Coding change: c.28C>T on transcript NM_000186.4 (MANE Select); coding-DNA position 28, C replaced by T.
Protein change: p.Leu10Phe; replaces leucine 10 with phenylalanine.
Molecular consequence: missense variant.
Genome position (GRCh38, 1-based): chr1:196,652,145, C>T. VCF-style: chr1-196652145-C-T. GRCh37 (hg19) VCF-style: chr1-196621275-C-T.
Other names: c.28C>T, p.Leu10Phe (NM_001014975.3); short protein forms L10F.
Identifiers: ClinVar variation 4708051 (VCV004708051.1).